The following is an entry in ClinVar:

NM_000478.6(ALPL):c.745G>A (p.Gly249Ser)

Gene: ALPL (alkaline phosphatase, biomineralization associated; plus strand). Cytogenetic location: 1p36.12.
Variant type: single nucleotide variant.
Coding change: c.745G>A on transcript NM_000478.6 (MANE Select); coding-DNA position 745, G replaced by A.
Protein change: p.Gly249Ser; replaces glycine 249 with serine.
Molecular consequence: missense variant.
Genome position (GRCh38, 1-based): chr1:21,568,200, G>A. VCF-style: chr1-21568200-G-A. GRCh37 (hg19) VCF-style: chr1-21894693-G-A.
Other names: c.745G>A (NM_000478.5); c.580G>A, p.Gly194Ser (NM_001127501.4); c.514G>A, p.Gly172Ser (NM_001177520.3); c.745G>A, p.Gly249Ser (NM_001369803.2, NM_001369804.2, NM_001369805.2); short protein forms G172S, G194S, G249S.
Identifiers: ClinVar variation 1009296 (VCV001009296.9), dbSNP rs770539523, ClinGen allele CA666593.

ClinVar aggregate classification (germline): Conflicting classifications of pathogenicity. Review status: criteria provided, conflicting classifications (1 of 4 stars). 5 submissions from 5 submitters: Likely pathogenic (1); Uncertain significance (3). 1 of the submissions does not count toward it. Last evaluated 2026-03-02.

Conditions:
Childhood hypophosphatasia. Identifiers: Orphanet 247667, Orphanet 436, MedGen C0220743, MONDO:1010168, OMIM 241510, MONDO:0009428.
Infantile hypophosphatasia. Identifiers: Orphanet 247651, Orphanet 436, MedGen C0268412, MONDO:1010169, OMIM 241500, MONDO:0009427.
Adult hypophosphatasia. Identifiers: Orphanet 247676, Orphanet 436, MedGen C0268413, MONDO:1010154, OMIM 146300, MONDO:0007798.
Hypophosphatasia. Also called: Phosphoethanol-aminuria. Identifiers: Orphanet 436, MedGen C0020630, MeSH D007014, MONDO:0018570.
ALPL-related disorder. Also called: ALPL-related condition; ALPL-related disorders.

Allele frequency attached by ClinVar (database versions not stated): TOPMed below 0.00001; ExAC 0.00001; gnomAD 0.00001; gnomAD exomes 0.00001.
gnomAD v4.1: 11 of 1,613,944 alleles (0.00068%); highest among the groups gnomAD compares: Admixed American, 0.0067%; no homozygotes.

Submissions (5):

Myriad Genetics, Inc.
Classification: Uncertain significance for Hypophosphatasia. Last evaluated: 2026-03-02. Review status: criteria provided, single submitter. Criteria: Myriad Autosomal Dominant, Autosomal Recessive and X-Linked Classification Criteria (2023). Collection method: clinical testing. Allele origin: unknown.
Comment: NM_000478.4(ALPL):c.745G>A(G249S) is a missense variant classified as a variant of uncertain significance in the context of hypophosphatasia. G249S has been observed in a case with relevant disease (PMID: 38702915). Relevant functional assessments of this variant are not available in the literature. G249S has been observed in referenced population frequency databases. In summary, there is insufficient evidence to classify NM_000478.4(ALPL):c.745G>A(G249S) as pathogenic or benign. Please note: this variant was assessed in the context of healthy population screening.

PreventionGenetics, part of Exact Sciences
Classification: Uncertain significance for ALPL-related condition. Last evaluated: 2025-12-30. Review status: criteria provided, single submitter. Criteria: ACMG Guidelines, 2015. Collection method: clinical testing. Allele origin: germline.
Comment: The ALPL c.745G>A variant is predicted to result in the amino acid substitution p.Gly249Ser. This variant has been reported in a cohort study on clinical utility of gene panel testing for skeletal dysplasia but no detail of clinical information was provided (Table S5. MacCarrick et al. 2024. PubMed ID: 38702915). Alternate amino acid change at the same codon, p.Gly249Val, has been reported as pathogenic in association with ALPL-related disorders (see for example, Sağlam et al. 2017. PubMed ID: 28663156; Durrough et al. 2020. PubMed ID: 33069919). This variant is reported in 0.0058% of alleles in individuals of Latino descent in gnomAD. Although we suspect that this variant may be pathogenic, at this time, the clinical significance of this variant is uncertain due to the absence of conclusive functional and genetic evidence.

Labcorp Genetics (formerly Invitae), Labcorp
Classification: Likely pathogenic. Last evaluated: 2025-11-01. Review status: criteria provided, single submitter. Criteria: Invitae Variant Classification Sherloc (09022015). Collection method: clinical testing. Allele origin: germline.
Comment: This sequence change replaces glycine, which is neutral and non-polar, with serine, which is neutral and polar, at codon 249 of the ALPL protein (p.Gly249Ser). This variant is present in population databases (rs770539523, gnomAD 0.006%). This missense change has been observed in individual(s) with skeletal dysplasia (PMID: 38702915). ClinVar contains an entry for this variant (Variation ID: 1009296). Invitae Evidence Modeling of protein sequence and biophysical properties (such as structural, functional, and spatial information, amino acid conservation, physicochemical variation, residue mobility, and thermodynamic stability) indicates that this missense variant is expected to disrupt ALPL protein function with a positive predictive value of 95%. This variant disrupts the p.Gly249 amino acid residue in ALPL. Other variant(s) that disrupt this residue have been determined to be pathogenic (PMID: 10094560, 18340466, 28663156). This suggests that this residue is clinically significant, and that variants that disrupt this residue are likely to be disease-causing. In summary, the currently available evidence indicates that the variant is pathogenic, but additional data are needed to prove that conclusively. Therefore, this variant has been classified as Likely Pathogenic.

Fulgent Genetics
Classification: Uncertain significance for Adult hypophosphatasia; Infantile hypophosphatasia; Childhood hypophosphatasia. Last evaluated: 2024-03-07. Review status: criteria provided, single submitter. Criteria: ACMG Guidelines, 2015. Collection method: clinical testing. Allele origin: germline.

Natera, Inc.
Classification: Uncertain significance for Hypophosphatasia. Last evaluated: 2020-03-07. Review status: no assertion criteria provided. Collection method: clinical testing. Allele origin: germline. Not counted in ClinVar's aggregate classification.

Literature cited by the submitters: PubMed 38702915 (cited by Myriad Genetics, Inc. and Labcorp Genetics (formerly Invitae), Labcorp); PubMed 10094560 (cited by Labcorp Genetics (formerly Invitae), Labcorp); PubMed 18340466 (cited by Labcorp Genetics (formerly Invitae), Labcorp); PubMed 28663156 (cited by Labcorp Genetics (formerly Invitae), Labcorp).